The following is an entry in ClinVar:

ClinVar aggregate classification (germline): Uncertain significance (1 of 4 stars; one submission).

gnomAD v4.1: 1 of 1,609,426 alleles (0.000062%); highest among the groups gnomAD compares: East Asian, 0.0022%; no homozygotes.

Submission:

GeneDx
Classification: Uncertain significance. Last evaluated: 2026-03-27. Review status: criteria provided, single submitter. Criteria: GeneDx Variant Classification Process June 2021. Collection method: clinical testing. Allele origin: germline.
Comment: Not observed at significant frequency in large population cohorts (gnomAD); In silico analysis supports that this missense variant has a deleterious effect on protein structure/function; Has not been previously published as pathogenic or benign to our knowledge

NM_001256627.2(BRSK2):c.382G>T (p.Ala128Ser)

Gene: BRSK2 (BR serine/threonine kinase 2; plus strand). Cytogenetic location: 11p15.5.
Variant type: single nucleotide variant.
Coding change: c.382G>T on transcript NM_001256627.2 (MANE Select); coding-DNA position 382, G replaced by T.
Protein change: p.Ala128Ser; replaces alanine 128 with serine.
Molecular consequence: missense variant. On other transcripts: non-coding transcript variant (1).
Genome position (GRCh38, 1-based): chr11:1,440,897, G>T. VCF-style: chr11-1440897-G-T. GRCh37 (hg19) VCF-style: chr11-1462127-G-T.
Other names: c.382G>T, p.Ala128Ser (NM_001440666.1, NM_001440668.1, NM_001440670.1 and 3 more transcripts); c.520G>T, p.Ala174Ser (NM_001440667.1, NM_001256630.1); c.202G>T, p.Ala68Ser (NM_001440669.1, NM_001440671.1, NM_001440672.1 and 5 more transcripts); short protein forms A128S, A174S, A68S.
Identifiers: ClinVar variation 5017764 (VCV005017764.1).
Genomic context (GRCh38, chr11:1,440,897, plus strand): 5'-GTGAAGAAGGGGAGGCTGACGCCTAAGGAGGCTCGGAAGTTCTTCCGGCAGATCATCTCT[G>T]CGCTGGACTTCTGCCACAGCCACTCCATATGGTGAGGCCCCACCCCTGGTGCCCCCCACT-3'
Protein context (NP_001243556.1, residues 118-138): ARKFFRQIIS[Ala128Ser]LDFCHSHSIC